The following is an entry in ClinVar:

ClinVar aggregate classification (germline): Uncertain significance. Review status: criteria provided, multiple submitters, no conflicts (2 of 4 stars). 3 submissions from 3 submitters: Uncertain significance (3). Last evaluated 2023-04-11.

Conditions:
Developmental and epileptic encephalopathy, 23 (DEE23). Also called: Epileptic encephalopathy, early infantile, 23. Identifiers: Orphanet 411986, MedGen C4014492, MONDO:0014371, OMIM 615859.

Allele frequency attached by ClinVar (database versions not stated): ExAC 0.00002; gnomAD exomes 0.00001.
gnomAD v4.1: 21 of 1,613,904 alleles (0.0013%); highest among the groups gnomAD compares: Non-Finnish European, 0.0017%; no homozygotes.

Submissions (3):

Genome-Nilou Lab
Classification: Uncertain significance for Developmental and epileptic encephalopathy, 23. Last evaluated: 2023-04-11. Review status: criteria provided, single submitter. Criteria: ACMG Guidelines, 2015. Collection method: clinical testing. Allele origin: germline. Affected: no.

Labcorp Genetics (formerly Invitae), Labcorp
Classification: Uncertain significance for Developmental and epileptic encephalopathy, 23. Last evaluated: 2021-09-26. Review status: criteria provided, single submitter. Criteria: Invitae Variant Classification Sherloc (09022015). Collection method: clinical testing. Allele origin: germline.
Comment: In summary, the available evidence is currently insufficient to determine the role of this variant in disease. Therefore, it has been classified as a Variant of Uncertain Significance. This sequence change replaces leucine with phenylalanine at codon 1082 of the DOCK7 protein (p.Leu1082Phe). The leucine residue is highly conserved and there is a small physicochemical difference between leucine and phenylalanine. This variant is present in population databases (rs758712631, ExAC 0.003%). Algorithms developed to predict the effect of missense changes on protein structure and function (SIFT, PolyPhen-2, Align-GVGD) all suggest that this variant is likely to be tolerated. ClinVar contains an entry for this variant (Variation ID: 434958). This variant has not been reported in the literature in individuals affected with DOCK7-related conditions.

Genetic Services Laboratory, University of Chicago
Classification: Uncertain significance. Last evaluated: 2016-12-07. Review status: criteria provided, single submitter. Criteria: ACMG Guidelines, 2015. Collection method: clinical testing. Allele origin: germline. Affected: no.

NM_001367561.1(DOCK7):c.3246G>T (p.Leu1082Phe)

Gene: DOCK7 (dedicator of cytokinesis 7; minus strand). Cytogenetic location: 1p31.3.
Variant type: single nucleotide variant.
Coding change: c.3246G>T on transcript NM_001367561.1 (MANE Select); coding-DNA position 3246, G replaced by T.
Protein change: p.Leu1082Phe; replaces leucine 1082 with phenylalanine.
Molecular consequence: missense variant.
Genome position (GRCh38, 1-based): chr1:62,539,599, C>A on the plus strand (G>T on the coding strand, the complement: DOCK7 is on the minus strand). VCF-style: chr1-62539599-C-A. GRCh37 (hg19) VCF-style: chr1-63005270-C-A.
Other names: c.3246G>T, p.Leu1082Phe (NM_001271999.2, NM_001330614.2); c.3153G>T, p.Leu1051Phe (NM_001272000.2, NM_001272001.2, NM_033407.4); short protein forms L1051F, L1082F.
Identifiers: ClinVar variation 434958 (VCV000434958.12), dbSNP rs758712631, ClinGen allele CA886047.
Genomic context (GRCh38, chr1:62,539,599, plus strand): 5'-CATTACCTGTTTATAGCAGGACTTTATAAGGCTAAAAACAAATCCTCTGTCCATAACAGA[C>A]AACAGATCATTGAGAAAGAATGCAAGGCTTGTATTGAGTCTCTCAACCATTTCTGTGTCC-3'
Protein context (NP_001354490.1, residues 1072-1092): TSLAFFLNDL[Leu1082Phe]SVMDRGFVFS